The following is an entry in ClinVar:

NM_173477.5(USH1G):c.28C>T (p.Arg10Trp)

Gene: USH1G (USH1 protein network component sans; minus strand). Cytogenetic location: 17q25.1.
Variant type: single nucleotide variant.
Coding change: c.28C>T on transcript NM_173477.5 (MANE Select); coding-DNA position 28, C replaced by T.
Protein change: p.Arg10Trp; replaces arginine 10 with tryptophan.
Molecular consequence: missense variant. On other transcripts: 5 prime UTR variant (1).
Genome position (GRCh38, 1-based): chr17:74,923,046, G>A on the plus strand (C>T on the coding strand, the complement: USH1G is on the minus strand). VCF-style: chr17-74923046-G-A. GRCh37 (hg19) VCF-style: chr17-72919141-G-A.
Other names: c.-229C>T (NM_001282489.3); short protein forms R10W.
Identifiers: ClinVar variation 1036695 (VCV001036695.7), dbSNP rs1418150744, ClinGen allele CA400968592.
Genomic context (GRCh38, chr17:74,923,046, plus strand): 5'-CGTCGGGGGCATTCAGCTCCTTTCGGGTGGCCTCCTTGAGGAGCTCCAGGTAGCCATCCC[G>A]GGCTGCCCGGTGGTACTGGTCGTTCATGGCGCCCGAAGTGGACGGGGCGGGCGGGGGACA-3'
Protein context (NP_775748.2, residues 1-20): MNDQYHRAA[Arg10Trp]DGYLELLKEA

ClinVar aggregate classification (germline): Uncertain significance (1 of 4 stars; one submission).

Allele frequency attached by ClinVar (database versions not stated): TOPMed below 0.00001.

Submission:

Labcorp Genetics (formerly Invitae), Labcorp
Classification: Uncertain significance. Last evaluated: 2022-09-27. Review status: criteria provided, single submitter. Criteria: Invitae Variant Classification Sherloc (09022015). Collection method: clinical testing. Allele origin: germline.
Comment: In summary, the available evidence is currently insufficient to determine the role of this variant in disease. Therefore, it has been classified as a Variant of Uncertain Significance. This sequence change replaces arginine, which is basic and polar, with tryptophan, which is neutral and slightly polar, at codon 10 of the USH1G protein (p.Arg10Trp). This variant is not present in population databases (gnomAD no frequency). This missense change has been observed in individual(s) with Usher syndrome type 1, however, in that individual pathogenic alleles were also identified in the PCDH15 gene, which suggests that this c.28C>T variant was not the primary cause of disease (PMID: 24618850). ClinVar contains an entry for this variant (Variation ID: 1036695). Advanced modeling of protein sequence and biophysical properties (such as structural, functional, and spatial information, amino acid conservation, physicochemical variation, residue mobility, and thermodynamic stability) performed at Invitae indicates that this missense variant is expected to disrupt USH1G protein function.

Literature cited by the submitters: PubMed 24618850.